The following is an entry in ClinVar:

NM_006204.4(PDE6C):c.299T>C (p.Leu100Pro)

Gene: PDE6C (phosphodiesterase 6C; plus strand). Cytogenetic location: 10q23.33.
Variant type: single nucleotide variant.
Coding change: c.299T>C on transcript NM_006204.4 (MANE Select); coding-DNA position 299, T replaced by C.
Protein change: p.Leu100Pro; replaces leucine 100 with proline.
Molecular consequence: missense variant.
Genome position (GRCh38, 1-based): chr10:93,613,024, T>C. VCF-style: chr10-93613024-T-C. GRCh37 (hg19) VCF-style: chr10-95372781-T-C.
Other names: short protein forms L100P.
Identifiers: ClinVar variation 1951941 (VCV001951941.4), dbSNP rs372972245, ClinGen allele CA211568203.
Genomic context (GRCh38, chr10:93,613,024, plus strand): 5'-TTCACAGGGCCCTGCAGAGGCTGGCCCACCTGCTCCAGGCTGACCGCTGCAGCATGTTCC[T>C]GTGCCGGTCCCGGAACGGCATACCTGAGGTGGCCTCTAGGTTGCTGGATGTCACCCCCAC-3'
Protein context (NP_006195.3, residues 90-110): LLQADRCSMF[Leu100Pro]CRSRNGIPEV

ClinVar aggregate classification (germline): Uncertain significance (1 of 4 stars; one submission).

Allele frequency attached by ClinVar (database versions not stated): gnomAD 0.00002; TOPMed 0.00003; ESP Exome Variant Server 0.00015.
gnomAD v4.1: 3 of 1,614,074 alleles (0.00019%); highest among the groups gnomAD compares: African/African-American, 0.004%; no homozygotes.

Submission:

Labcorp Genetics (formerly Invitae), Labcorp
Classification: Uncertain significance. Last evaluated: 2022-03-26. Review status: criteria provided, single submitter. Criteria: Invitae Variant Classification Sherloc (09022015). Collection method: clinical testing. Allele origin: germline.
Comment: This sequence change replaces leucine, which is neutral and non-polar, with proline, which is neutral and non-polar, at codon 100 of the PDE6C protein (p.Leu100Pro). In summary, the available evidence is currently insufficient to determine the role of this variant in disease. Therefore, it has been classified as a Variant of Uncertain Significance. Algorithms developed to predict the effect of missense changes on protein structure and function (SIFT, PolyPhen-2, Align-GVGD) all suggest that this variant is likely to be tolerated. This variant has not been reported in the literature in individuals affected with PDE6C-related conditions. This variant is not present in population databases (gnomAD no frequency).